The following is an entry in ClinVar:

NM_005529.7(HSPG2):c.9019del (p.Val3007fs)

Gene: HSPG2 (heparan sulfate proteoglycan 2; minus strand). Cytogenetic location: 1p36.12.
Variant type: Deletion.
Coding change: c.9019del on transcript NM_005529.7 (MANE Select); coding-DNA position 9019, one base deleted (G; older notation c.9019delG).
Protein change: p.Val3007fs; shifts the reading frame from valine 3007.
Molecular consequence: frameshift variant.
Genome position (GRCh38, 1-based): chr1:21,842,272, C deleted on the plus strand (G on the coding strand, the reverse complement: HSPG2 is on the minus strand). VCF-style (leftmost placement, unchanged base first): chr1-21842271-AC-A. GRCh37 (hg19) VCF-style: chr1-22168764-AC-A.
Other names: c.9022del, p.Val3008fs (NM_001291860.2); short protein forms V3007fs, V3008fs.
Identifiers: ClinVar variation 3766093 (VCV003766093.1).

ClinVar aggregate classification (germline): Pathogenic (1 of 4 stars; one submission).

Submission:

GeneDx
Classification: Pathogenic. Last evaluated: 2024-08-25. Review status: criteria provided, single submitter. Criteria: GeneDx Variant Classification Process June 2021. Collection method: clinical testing. Allele origin: germline. Affected: yes.
Comment: Frameshift variant predicted to result in protein truncation or nonsense mediated decay in a gene for which loss of function is a known mechanism of disease; Not observed at significant frequency in large population cohorts (gnomAD); This variant is associated with the following publications: (PMID: 31127727)